The following is an entry in ClinVar:

NM_017780.4(CHD7):c.3470del (p.Pro1157fs)

Gene: CHD7 (chromodomain helicase DNA binding protein 7; plus strand). Cytogenetic location: 8q12.2.
Variant type: Deletion.
Coding change: c.3470del on transcript NM_017780.4 (MANE Select); coding-DNA position 3470, one base deleted (C; older notation c.3470delC).
Protein change: p.Pro1157fs; shifts the reading frame from proline 1157.
Molecular consequence: frameshift variant. On other transcripts: intron variant (1).
Genome position (GRCh38, 1-based): chr8:60,828,754, C deleted; the last of 3 consecutive C bases (chr8:60,828,752-60,828,754); deleting any one gives the same sequence. VCF-style (leftmost placement, unchanged base first): chr8-60828751-TC-T. GRCh37 (hg19) VCF-style: chr8-61741310-TC-T.
Other names: c.1717-33475del (NM_001316690.1); short protein forms P1157fs.
Identifiers: ClinVar variation 948614 (VCV000948614.7), dbSNP rs1804367478, ClinGen allele CA1139660551.

ClinVar aggregate classification (germline): Pathogenic (1 of 4 stars; one submission).

Conditions:
CHARGE syndrome (CHARGE). Also called: Hittner Hirsch Kreh syndrome; Coloboma, heart anomaly, choanal atresia, retardation, genital and ear anomalies; CHARGE association; Hall-Hittner syndrome; CHARGE ASSOCIATION--COLOBOMA, HEART ANOMALY, CHOANAL ATRESIA, RETARDATION, GENITAL AND EAR ANOMALIES. Identifiers: Orphanet 138, MedGen C0265354, MONDO:0008965.

Submission:

Labcorp Genetics (formerly Invitae), Labcorp
Classification: Pathogenic for CHARGE syndrome. Last evaluated: 2019-06-14. Review status: criteria provided, single submitter. Criteria: Invitae Variant Classification Sherloc (09022015). Collection method: clinical testing. Allele origin: germline.
Comment: Loss-of-function variants in CHD7 are known to be pathogenic (PMID: 22461308, 25077900). This variant has not been reported in the literature in individuals with CHD7-related conditions. This variant is not present in population databases (ExAC no frequency). This sequence change creates a premature translational stop signal (p.Pro1157Leufs*13) in the CHD7 gene. It is expected to result in an absent or disrupted protein product. For these reasons, this variant has been classified as Pathogenic.

Literature cited by the submitters: PubMed 22461308; PubMed 25077900.